The following is an entry in ClinVar:

ClinVar aggregate classification (germline): Uncertain significance (1 of 4 stars; one submission).

Submissions (3):

GeneDx
Classification: Uncertain significance. Last evaluated: 2025-06-06. Review status: criteria provided, single submitter. Criteria: GeneDx Variant Classification Process June 2021. Collection method: clinical testing. Allele origin: germline. Affected: yes.
Comment: Not observed at significant frequency in large population cohorts (gnomAD); In silico analysis supports that this missense variant has a deleterious effect on protein structure/function; Has not been previously published as pathogenic or benign to our knowledge

Dr. Peter K. Rogan Lab, Western University
No classification provided (evidence only). Condition: Thyroid cancer, nonmedullary, 1. Review status: no classification provided. Collection method: in vitro. Allele origin: not applicable. Functional consequence: retained intron. Not counted in ClinVar's aggregate classification.

Dr. Peter K. Rogan Lab, Western University
No classification provided (evidence only). Condition: Thyroid cancer, nonmedullary, 1. Review status: no classification provided. Collection method: in vitro. Allele origin: not applicable. Functional consequence: retained intron. Not counted in ClinVar's aggregate classification.

NM_001379451.1(BCORL1):c.2533G>A (p.Gly845Ser)

Gene: BCORL1 (BCL6 corepressor like 1; plus strand). Cytogenetic location: Xq26.1.
Variant type: single nucleotide variant.
Coding change: c.2533G>A on transcript NM_001379451.1 (MANE Select); coding-DNA position 2533, G replaced by A.
Protein change: p.Gly845Ser; replaces glycine 845 with serine.
Molecular consequence: missense variant.
Genome position (GRCh38, 1-based): chrX:130,015,305, G>A. VCF-style: chrX-130015305-G-A. GRCh37 (hg19) VCF-style: chrX-129149281-G-A.
Other names: NC_000023.10:g.129149281G>A; c.2533G>A, p.Gly845Ser (NM_001441326.1, NM_001441327.1, NM_001441328.1 and 7 more transcripts); short protein forms G845S.
Identifiers: ClinVar variation 4470446 (VCV004470446.2).